The following is an entry in ClinVar:

ClinVar aggregate classification (germline): Likely pathogenic (1 of 4 stars; one submission).

Conditions:
Mucopolysaccharidosis type 7 (MPS7). Also called: MPS VII; SLY SYNDROME; GUSB DEFICIENCY; BETA-GLUCURONIDASE DEFICIENCY. Identifiers: Orphanet 584, MedGen C0085132, MONDO:0009662, OMIM 253220.

Submission:

Molecular Genetics Department, Kulakov National Medical Research Center for Obstetrics, Gynecology and Perinatology
Classification: Likely pathogenic for Mucopolysaccharidosis type 7. Review status: criteria provided, single submitter. Criteria: ACMG Guidelines, 2015. Collection method: clinical testing. Allele origin: maternal. Affected: yes.
Comment: A previously undescribed nucleotide variant creates a frameshift p.Arg600SerfsTer5 in the GUSB gene. Homozygous and compound heterozygous variants are reported in patients with Mucopolysaccharidosis VII, 253220. The variant is not present in population database (gnomAD no frequency). In summary, the currently available evidence indicates that the variant is pathogenic, but additional data are needed to prove that conclusively. Therefore, this variant has been classified as likely pathogenic.

NM_000181.4(GUSB):c.1800_1801del (p.Arg600fs)

Gene: GUSB (glucuronidase beta; minus strand). Cytogenetic location: 7q11.21.
Variant type: Microsatellite.
Coding change: c.1800_1801del on transcript NM_000181.4 (MANE Select); coding-DNA positions 1800 to 1801, 2 bases deleted (AG; older notation c.1800_1801delAG).
Protein change: p.Arg600fs; shifts the reading frame from arginine 600.
Molecular consequence: frameshift variant. On other transcripts: non-coding transcript variant (1).
Genome position (GRCh38, 1-based): chr7:65,961,052-65,961,053, CT deleted on the plus strand (AG on the coding strand, the reverse complement: GUSB is on the minus strand); deleting any 2 consecutive bases within chr7:65,961,052-65,961,056 gives the same sequence; the c. name uses the placement nearest the transcript's 3' end. VCF-style (leftmost placement, unchanged base first): chr7-65961051-ACT-A. GRCh37 (hg19) VCF-style: chr7-65426038-ACT-A.
Other names: c.1362_1363del, p.Arg454fs (NM_001284290.2); c.1230_1231del, p.Arg410fs (NM_001293104.2); c.1143_1144del, p.Arg381fs (NM_001293105.2); short protein forms R381fs, R410fs, R454fs, R600fs.
Identifiers: ClinVar variation 3062297 (VCV003062297.1), dbSNP rs2484734390, ClinGen allele CA2740097363.